The following is an entry in ClinVar:

ClinVar aggregate classification (germline): Uncertain significance (1 of 4 stars; one submission).

Submission:

Labcorp Genetics (formerly Invitae), Labcorp
Classification: Uncertain significance. Last evaluated: 2022-03-23. Review status: criteria provided, single submitter. Criteria: Invitae Variant Classification Sherloc (09022015). Collection method: clinical testing. Allele origin: germline.
Comment: This sequence change replaces lysine, which is basic and polar, with asparagine, which is neutral and polar, at codon 1583 of the NIN protein (p.Lys1583Asn). In summary, the available evidence is currently insufficient to determine the role of this variant in disease. Therefore, it has been classified as a Variant of Uncertain Significance. Algorithms developed to predict the effect of missense changes on protein structure and function are either unavailable or do not agree on the potential impact of this missense change (SIFT: "Deleterious"; PolyPhen-2: "Probably Damaging"; Align-GVGD: "Class C0"). This variant has not been reported in the literature in individuals affected with NIN-related conditions. This variant is not present in population databases (gnomAD no frequency).

NM_020921.4(NIN):c.4749A>T (p.Lys1583Asn)

Gene: NIN (ninein; minus strand). Cytogenetic location: 14q22.1.
Variant type: single nucleotide variant.
Coding change: c.4749A>T on transcript NM_020921.4 (MANE Select); coding-DNA position 4749, A replaced by T.
Protein change: p.Lys1583Asn; replaces lysine 1583 with asparagine.
Molecular consequence: missense variant.
Genome position (GRCh38, 1-based): chr14:50,752,719, T>A on the plus strand (A>T on the coding strand, the complement: NIN is on the minus strand). VCF-style: chr14-50752719-T-A. GRCh37 (hg19) VCF-style: chr14-51219437-T-A.
Other names: c.2610A>T, p.Lys870Asn (NM_016350.5); c.4749A>T, p.Lys1583Asn (NM_182944.3, NM_182946.2); short protein forms K870N, K1583N.
Identifiers: ClinVar variation 1896842 (VCV001896842.5), dbSNP rs2505686426, ClinGen allele CA389688174.